The following is an entry in ClinVar:

NM_001458.5(FLNC):c.5843-3C>G

Genes: FLNC (filamin C; plus strand), FLNC-AS1 (FLNC antisense RNA 1; minus strand). Cytogenetic location: 7q32.1.
Variant type: single nucleotide variant.
Coding change: c.5843-3C>G on transcript NM_001458.5 (MANE Select); 3 bases into the intron before coding-DNA position 5843, C replaced by G.
Molecular consequence: intron variant.
Genome position (GRCh38, 1-based): chr7:128,852,588, C>G. VCF-style: chr7-128852588-C-G. GRCh37 (hg19) VCF-style: chr7-128492642-C-G.
Other names: c.5744-3C>G (NM_001127487.2).
Identifiers: ClinVar variation 4812484 (VCV004812484.1).

ClinVar aggregate classification (germline): Uncertain significance (1 of 4 stars; one submission).

Conditions:
Hypertrophic cardiomyopathy 26. Also called: Cardiomyopathy, familial hypertrophic, 26. Identifiers: Orphanet 75249, MedGen C4310749, MONDO:0014883, OMIM 617047.
Myofibrillar myopathy 5. Also called: Filaminopathy (type); FILAMINOPATHY, AUTOSOMAL DOMINANT. Identifiers: Orphanet 171445, MedGen C1836050, MONDO:0012289, OMIM 609524.
Distal myopathy with posterior leg and anterior hand involvement. Also called: WILLIAMS DISTAL MYOPATHY. Identifiers: Orphanet 63273, MedGen C3279722, MONDO:0013550, OMIM 614065.

Submission:

Labcorp Genetics (formerly Invitae), Labcorp
Classification: Uncertain significance for Distal myopathy with posterior leg and anterior hand involvement; Myofibrillar myopathy 5; Hypertrophic cardiomyopathy 26. Last evaluated: 2025-05-04. Review status: criteria provided, single submitter. Criteria: Invitae Variant Classification Sherloc (09022015). Collection method: clinical testing. Allele origin: germline.
Comment: This sequence change falls in intron 35 of the FLNC gene. It does not directly change the encoded amino acid sequence of the FLNC protein. It affects a nucleotide within the consensus splice site. This variant is not present in population databases (gnomAD no frequency). This variant has not been reported in the literature in individuals affected with FLNC-related conditions. Variants that disrupt the consensus splice site are a relatively common cause of aberrant splicing (PMID: 17576681, 9536098). Algorithms developed to predict the effect of sequence changes on RNA splicing suggest that this variant may disrupt the consensus splice site. In summary, the available evidence is currently insufficient to determine the role of this variant in disease. Therefore, it has been classified as a Variant of Uncertain Significance.

Literature cited by the submitters: PubMed 17576681; PubMed 9536098.